The following is an entry in ClinVar:

ClinVar aggregate classification (germline): Uncertain significance. Review status: reviewed by expert panel (3 of 4 stars). 2 submissions from 2 submitters: Uncertain significance (1). 1 of the submissions does not count toward it. Last evaluated 2023-08-22.

Conditions:
Nonsyndromic genetic hearing loss. Also called: Nonsyndromic genetic deafness; Non-syndromic genetic deafness; Nonsyndromic hearing loss and deafness. Identifiers: Orphanet 87884, MedGen C5680182, MONDO:0019497.

Allele frequency attached by ClinVar (database versions not stated): ExAC 0.00001; gnomAD exomes 0.00001; gnomAD 0.00002; TOPMed 0.00002.

Submissions (2):

ClinGen Hearing Loss Variant Curation Expert Panel
Classification: Uncertain significance for Nonsyndromic genetic hearing loss. Last evaluated: 2023-08-22. Review status: reviewed by expert panel. Criteria: Clingen Hl Acmg Specifications Cdh23 Coch Gjb2 Kcnq4 Myo6 Myo7a Slc26a4 Tecta Ush2a V2. Collection method: curation. Allele origin: germline. Inheritance: Autosomal recessive inheritance.
Comment: The NM_004004.6:c.653G>A variant in GJB2 is a missense variant predicted to cause substitution of cysteine by tyrosine at amino acid 218 (p.Cys218Tyr). The highest minor allele frequency in gnomAD v.2.1.1 is 0.00178% (2/112164) of European (non-Finnish) population which is a low enough frequency to award PM2_Supporting. The REVEL computational prediction analysis tool produced a score of 0.817 meeting PP3. The variant has been identified in a heterozygous state in one individual with sensorineural hearing loss (PMID: 17666888). In summary, this variant meets the criteria to be classified as a variant of uncertain significance for autosomal recessive nonsyndromic hearing loss. ACMG/AMP criteria applied as specified by the ClinGen Hearing Loss VCEP: PM2_Supporting, PP3 (ClinGen Hearing Loss VCEP specifications version 2; 8/22/2023).

Women's Health and Genetics/Laboratory Corporation of America, LabCorp
Classification: Uncertain significance. Last evaluated: 2024-04-02. Review status: criteria provided, single submitter. Criteria: LabCorp Variant Classification Summary - May 2015. Collection method: clinical testing. Allele origin: germline. Not counted in ClinVar's aggregate classification.
Comment: Variant summary: GJB2 c.653G>A (p.Cys218Tyr) results in a non-conservative amino acid change located in the Connexin, N-terminal domain (IPR013092) of the encoded protein sequence. Four of five in-silico tools predict a damaging effect of the variant on protein function. The variant allele was found at a frequency of 8e-06 in 249050 control chromosomes. The available data on variant occurrences in the general population are insufficient to allow any conclusion about variant significance. c.653G>A has been reported in the literature as a non-informative genotype (second allele and/or zygosity not specified) in at-least one allele in a cohort of individuals affected with Non-Syndromic Hearing Loss (example, Putcha_2007). These report(s) do not provide unequivocal conclusions about association of the variant with Non-Syndromic Hearing Loss. To our knowledge, no experimental evidence demonstrating an impact on protein function has been reported. The following publications have been ascertained in the context of this evaluation (PMID: 35864128, 17666888). ClinVar contains an entry for this variant (Variation ID: 585327). Based on the evidence outlined above, the variant was classified as uncertain significance.

Literature cited by the submitters: PubMed 17666888 (cited by Women's Health and Genetics/Laboratory Corporation of America, LabCorp); PubMed 35864128 (cited by Women's Health and Genetics/Laboratory Corporation of America, LabCorp).

NM_004004.6(GJB2):c.653G>A (p.Cys218Tyr)

Gene: GJB2 (gap junction protein beta 2; minus strand). Cytogenetic location: 13q12.11.
Variant type: single nucleotide variant.
Coding change: c.653G>A on transcript NM_004004.6 (MANE Select); coding-DNA position 653, G replaced by A.
Protein change: p.Cys218Tyr; replaces cysteine 218 with tyrosine.
Molecular consequence: missense variant.
Genome position (GRCh38, 1-based): chr13:20,188,929, C>T on the plus strand (G>A on the coding strand, the complement: GJB2 is on the minus strand). VCF-style: chr13-20188929-C-T. GRCh37 (hg19) VCF-style: chr13-20763068-C-T.
Other names: short protein forms C218Y.
Identifiers: ClinVar variation 585327 (VCV000585327.4), dbSNP rs752812448, ClinGen allele CA6904216.
Genomic context (GRCh38, chr13:20,188,929, plus strand): 5'-TCTATTTCTTAATCTAACAACTGGGCAATGCGTTAAACTGGCTTTTTTGACTTCCCAGAA[C>T]AATATCTAATTAGCAAATAACACAATTCAGTGACATTCAGCAGGATGCAAATTCCAGACA-3'
Protein context (NP_003995.2, residues 208-226): TELCYLLIRY[Cys218Tyr]SGKSKKPV